The following is an entry in ClinVar:

ClinVar aggregate classification (germline): Pathogenic (1 of 4 stars; one submission).

Submission:

GeneDx
Classification: Pathogenic. Last evaluated: 2024-02-28. Review status: criteria provided, single submitter. Criteria: GeneDx Variant Classification Process June 2021. Collection method: clinical testing. Allele origin: germline. Affected: yes.
Comment: Canonical splice site variant predicted to result in an in-frame loss of the adjacent exon in a gene for which loss of function is a known mechanism of disease; Not observed at significant frequency in large population cohorts (gnomAD); This variant is associated with the following publications: (PMID: 35982159, 33057194, 31785789)

NM_004247.4(EFTUD2):c.1860+1G>A

Gene: EFTUD2 (elongation factor Tu GTP binding domain containing 2; minus strand). Cytogenetic location: 17q21.31.
Variant type: single nucleotide variant.
Coding change: c.1860+1G>A on transcript NM_004247.4 (MANE Select); the canonical splice donor site of the intron after coding-DNA position 1860, G replaced by A.
Molecular consequence: splice donor variant.
Genome position (GRCh38, 1-based): chr17:44,859,904, C>T on the plus strand (G>A on the coding strand, the complement: EFTUD2 is on the minus strand). VCF-style: chr17-44859904-C-T. GRCh37 (hg19) VCF-style: chr17-42937272-C-T.
Other names: c.1755+1G>A (NM_001142605.2); c.1830+1G>A (NM_001258354.2); c.1860+1G>A (NM_001258353.2).
Identifiers: ClinVar variation 3342309 (VCV003342309.1).
Genomic context (GRCh38, chr17:44,859,904, plus strand): 5'-AGCTCTGCCCATTCAGCTGGGGATAGTGGGGCTTGGCGGCTGCTGCAGGCCATGGGCATA[C>T]CTTGGTGGTGAGGGATGGATAGCTCTTGTTGACCTTGCGCAGGCCATCAAGCATCTTGGG-3'